The following is an entry in ClinVar:

ClinVar aggregate classification (germline): Uncertain significance. Review status: criteria provided, multiple submitters, no conflicts (2 of 4 stars). 3 submissions from 3 submitters: Uncertain significance (2). 1 of the submissions does not count toward it. Last evaluated 2025-08-04.

Conditions:
Inborn genetic diseases. Identifiers: MedGen C0950123, MeSH D030342.
Hyper-IgE recurrent infection syndrome 1, autosomal dominant. Also called: JOB SYNDROME; STAT3 Hyper IgE Syndrome; HYPER-IgE SYNDROME 1, AUTOSOMAL DOMINANT, WITH RECURRENT INFECTIONS; Hyper-IgE recurrent infection syndrome 1; Job's Syndrome. Identifiers: Orphanet 2314, MedGen C2936739, MONDO:0007818, OMIM 147060.
STAT3 gain of function. Identifiers: MedGen C4288261.
STAT3-related disorder. Also called: STAT3-related condition.

Allele frequency attached by ClinVar (database versions not stated): gnomAD 0.00001; gnomAD exomes 0.00001.
gnomAD v4.1: 6 of 1,614,058 alleles (0.00037%); highest among the groups gnomAD compares: African/African-American, 0.0013%; no homozygotes.

Submissions (3):

Ambry Genetics
Classification: Uncertain significance for Inborn genetic diseases. Last evaluated: 2025-08-04. Review status: criteria provided, single submitter. Criteria: Ambry Variant Classification Scheme 2023. Collection method: clinical testing. Allele origin: germline.

Labcorp Genetics (formerly Invitae), Labcorp
Classification: Uncertain significance for STAT3 gain of function; Hyper-IgE recurrent infection syndrome 1, autosomal dominant. Last evaluated: 2025-03-18. Review status: criteria provided, single submitter. Criteria: Invitae Variant Classification Sherloc (09022015). Collection method: clinical testing. Allele origin: germline.
Comment: This sequence change replaces asparagine, which is neutral and polar, with serine, which is neutral and polar, at codon 481 of the STAT3 protein (p.Asn481Ser). This variant is not present in population databases (gnomAD no frequency). This variant has not been reported in the literature in individuals affected with STAT3-related conditions. ClinVar contains an entry for this variant (Variation ID: 1434148). Invitae Evidence Modeling of protein sequence and biophysical properties (such as structural, functional, and spatial information, amino acid conservation, physicochemical variation, residue mobility, and thermodynamic stability) indicates that this missense variant is not expected to disrupt STAT3 protein function with a negative predictive value of 80%. In summary, the available evidence is currently insufficient to determine the role of this variant in disease. Therefore, it has been classified as a Variant of Uncertain Significance.

PreventionGenetics, part of Exact Sciences
Classification: Uncertain significance for STAT3-related condition. Last evaluated: 2024-09-13. Review status: no assertion criteria provided. Collection method: clinical testing. Allele origin: germline. Not counted in ClinVar's aggregate classification.
Comment: The STAT3 c.1442A>G variant is predicted to result in the amino acid substitution p.Asn481Ser. To our knowledge, this variant has not been reported in the literature or in a large population database, indicating this variant is rare. At this time, the clinical significance of this variant is uncertain due to the absence of conclusive functional and genetic evidence.

NM_139276.3(STAT3):c.1442A>G (p.Asn481Ser)

Gene: STAT3 (signal transducer and activator of transcription 3; minus strand). Cytogenetic location: 17q21.2.
Variant type: single nucleotide variant.
Coding change: c.1442A>G on transcript NM_139276.3 (MANE Select); coding-DNA position 1442, A replaced by G.
Protein change: p.Asn481Ser; replaces asparagine 481 with serine.
Molecular consequence: missense variant.
Genome position (GRCh38, 1-based): chr17:42,324,985, T>C on the plus strand (A>G on the coding strand, the complement: STAT3 is on the minus strand). VCF-style: chr17-42324985-T-C. GRCh37 (hg19) VCF-style: chr17-40477003-T-C.
Other names: c.1442A>G, p.Asn481Ser (NM_001369512.1, NM_001369513.1, NM_001369514.1 and 11 more transcripts); c.1358A>G, p.Asn453Ser (NM_001384984.1); c.1364A>G, p.Asn455Ser (NM_001384985.1); c.1457A>G, p.Asn486Ser (NM_001384986.1, NM_001384990.1); c.1346A>G, p.Asn449Ser (NM_001384989.1); c.1382A>G, p.Asn461Ser (NM_001384992.1); c.1442A>G (NM_139276.2); short protein forms N461S, N481S, N449S, N455S, N486S, N453S.
Identifiers: ClinVar variation 1434148 (VCV001434148.10), dbSNP rs2081644374, ClinGen allele CA399587102.
Genomic context (GRCh38, chr17:42,324,985, plus strand): 5'-AGATCCCGGGGCACCAACTAAAAGGAGGGGGCACTAACCTTGGGATTGTTGGTCAGCATG[T>C]TGTACCACAGGATGGACGCCCAGGCATTTGGCATCTGACAGATGTTGGAGATCACCACAA-3'
Protein context (NP_644805.1, residues 471-491): PNAWASILWY[Asn481Ser]MLTNNPKNVN